The following is an entry in ClinVar:

ClinVar aggregate classification (germline): Uncertain significance (1 of 4 stars; one submission).

gnomAD v4.1: 2 of 1,614,244 alleles (0.00012%); highest among the groups gnomAD compares: Non-Finnish European, 0.00017%; no homozygotes.

Submission:

Labcorp Genetics (formerly Invitae), Labcorp
Classification: Uncertain significance. Last evaluated: 2026-01-19. Review status: criteria provided, single submitter. Criteria: Invitae Variant Classification Sherloc (09022015). Collection method: clinical testing. Allele origin: germline.
Comment: This sequence change replaces valine, which is neutral and non-polar, with leucine, which is neutral and non-polar, at codon 481 of the NACC1 protein (p.Val481Leu). This variant is not present in population databases (gnomAD no frequency). This variant has not been reported in the literature in individuals affected with NACC1-related conditions. Invitae Evidence Modeling of protein sequence and biophysical properties (such as structural, functional, and spatial information, amino acid conservation, physicochemical variation, residue mobility, and thermodynamic stability) indicates that this missense variant is not expected to disrupt NACC1 protein function with a negative predictive value of 80%. In summary, the available evidence is currently insufficient to determine the role of this variant in disease. Therefore, it has been classified as a Variant of Uncertain Significance.

NM_052876.4(NACC1):c.1441G>T (p.Val481Leu)

Gene: NACC1 (nucleus accumbens associated 1; plus strand). Cytogenetic location: 19p13.13.
Variant type: single nucleotide variant.
Coding change: c.1441G>T on transcript NM_052876.4 (MANE Select); coding-DNA position 1441, G replaced by T.
Protein change: p.Val481Leu; replaces valine 481 with leucine.
Molecular consequence: missense variant.
Genome position (GRCh38, 1-based): chr19:13,138,263, G>T. VCF-style: chr19-13138263-G-T. GRCh37 (hg19) VCF-style: chr19-13249077-G-T.
Other names: short protein forms V481L.
Identifiers: ClinVar variation 4809318 (VCV004809318.1).